The following is an entry in ClinVar:

NM_006231.4(POLE):c.1924C>G (p.Pro642Ala)

Gene: POLE (DNA polymerase epsilon, catalytic subunit; minus strand). Cytogenetic location: 12q24.33.
Variant type: single nucleotide variant.
Coding change: c.1924C>G on transcript NM_006231.4 (MANE Select); coding-DNA position 1924, C replaced by G.
Protein change: p.Pro642Ala; replaces proline 642 with alanine.
Molecular consequence: missense variant.
Genome position (GRCh38, 1-based): chr12:132,668,737, G>C on the plus strand (C>G on the coding strand, the complement: POLE is on the minus strand). VCF-style: chr12-132668737-G-C. GRCh37 (hg19) VCF-style: chr12-133245323-G-C.
Other names: short protein forms P642A.
Identifiers: ClinVar variation 3422226 (VCV003422226.1).

ClinVar aggregate classification (germline): Uncertain significance (1 of 4 stars; one submission).

Conditions:
Hereditary cancer-predisposing syndrome. Also called: Neoplastic Syndromes, Hereditary; Tumor predisposition; Hereditary Cancer Syndrome; Hereditary neoplastic syndrome. Identifiers: Orphanet 140162, MedGen C0027672, MeSH D009386, MONDO:0015356.

Submission:

Ambry Genetics
Classification: Uncertain significance for Hereditary cancer-predisposing syndrome. Last evaluated: 2024-11-22. Review status: criteria provided, single submitter. Criteria: Ambry Variant Classification Scheme 2023. Collection method: clinical testing. Allele origin: germline.
Comment: The p.P642A variant (also known as c.1924C>G) is located in coding exon 18 of the POLE gene. The proline at codon 642 is replaced by alanine, an amino acid with highly similar properties. This change occurs in the first base pair of coding exon 18. This amino acid position is conserved. In addition, this alteration is predicted to be tolerated by in silico analysis. Based on the available evidence, the clinical significance of this variant remains unclear.